The following is an entry in ClinVar:

ClinVar aggregate classification (germline): Uncertain significance. Review status: criteria provided, multiple submitters, no conflicts (2 of 4 stars). 6 submissions from 4 submitters: Uncertain significance (6). Last evaluated 2025-08-23.

Conditions:
Amyotrophic lateral sclerosis type 5 (ALS5). Also called: AMYOTROPHIC LATERAL SCLEROSIS 5, JUVENILE. Identifiers: Orphanet 300605, MedGen C1865864, MONDO:0011196, OMIM 602099.
Charcot-Marie-Tooth disease axonal type 2X. Also called: CHARCOT-MARIE-TOOTH DISEASE, AXONAL, AUTOSOMAL RECESSIVE, TYPE 2X; CHARCOT-MARIE-TOOTH NEUROPATHY, TYPE 2X. Identifiers: Orphanet 466775, MedGen C5569024, MONDO:0014726, OMIM 616668.
Hereditary spastic paraplegia. Also called: Familial spastic paraparesis. Identifiers: Orphanet 685, MedGen C0037773, MONDO:0019064. Disease mechanism: loss of function.
Inborn genetic diseases. Identifiers: MedGen C0950123, MeSH D030342.
Hereditary spastic paraplegia 11. Also called: Spastic Paraplegia 11; Nakamura Osame syndrome; Autosomal recessive hereditary spastic paraplegia, mental impairment, and thin corpus callosum; SPASTIC PARAPLEGIA, AUTOSOMAL RECESSIVE, COMPLICATED, WITH THIN CORPUS CALLOSUM; SPASTIC PARAPLEGIA, AUTOSOMAL RECESSIVE, WITH MENTAL IMPAIRMENT AND THIN CORPUS CALLOSUM; Spastic paraplegia, mental retardation and thin corpus callosum. Identifiers: Orphanet 2822, MedGen C1858479, MONDO:0011445, OMIM 604360.

Allele frequency attached by ClinVar (database versions not stated): gnomAD 0.00001; gnomAD exomes 0.00001 and 0.00002; ExAC 0.00003.
gnomAD v4.1: 20 of 1,614,062 alleles (0.0012%); highest among the groups gnomAD compares: South Asian, 0.022%; no homozygotes.

Submissions (6):

Ambry Genetics
Classification: Uncertain significance for Inborn genetic diseases. Last evaluated: 2025-08-23. Review status: criteria provided, single submitter. Criteria: Ambry Variant Classification Scheme 2023. Collection method: clinical testing. Allele origin: germline.

Labcorp Genetics (formerly Invitae), Labcorp
Classification: Uncertain significance for Hereditary spastic paraplegia 11. Last evaluated: 2021-07-11. Review status: criteria provided, single submitter. Criteria: Invitae Variant Classification Sherloc (09022015). Collection method: clinical testing. Allele origin: germline.
Comment: This variant has not been reported in the literature in individuals affected with SPG11-related conditions. In summary, the available evidence is currently insufficient to determine the role of this variant in disease. Therefore, it has been classified as a Variant of Uncertain Significance. Algorithms developed to predict the effect of missense changes on protein structure and function are either unavailable or do not agree on the potential impact of this missense change (SIFT: "Tolerated"; PolyPhen-2: "Probably Damaging"; Align-GVGD: "Class C0"). This variant is present in population databases (rs776764189, ExAC 0.02%). This sequence change replaces glycine with serine at codon 2005 of the SPG11 protein (p.Gly2005Ser). The glycine residue is moderately conserved and there is a small physicochemical difference between glycine and serine.

Genome Diagnostics Laboratory, The Hospital for Sick Children
Classification: Uncertain significance for Hereditary spastic paraplegia. Last evaluated: 2020-02-01. Review status: criteria provided, single submitter. Criteria: ACMG Guidelines, 2015. Collection method: clinical testing. Allele origin: germline. Affected: yes.

Genome-Nilou Lab
Classification: Uncertain significance for Amyotrophic lateral sclerosis type 5. Review status: criteria provided, single submitter. Criteria: ACMG Guidelines, 2015. Collection method: clinical testing. Allele origin: germline.

Genome-Nilou Lab
Classification: Uncertain significance for Charcot-Marie-Tooth disease axonal type 2X. Review status: criteria provided, single submitter. Criteria: ACMG Guidelines, 2015. Collection method: clinical testing. Allele origin: germline.

Genome-Nilou Lab
Classification: Uncertain significance for Hereditary spastic paraplegia 11. Review status: criteria provided, single submitter. Criteria: ACMG Guidelines, 2015. Collection method: clinical testing. Allele origin: germline.

NM_025137.4(SPG11):c.6013G>A (p.Gly2005Ser)

Gene: SPG11 (SPG11 vesicle trafficking associated, spatacsin; minus strand). Cytogenetic location: 15q21.1.
Variant type: single nucleotide variant.
Coding change: c.6013G>A on transcript NM_025137.4 (MANE Select); coding-DNA position 6013, G replaced by A.
Protein change: p.Gly2005Ser; replaces glycine 2005 with serine.
Molecular consequence: missense variant. On other transcripts: intron variant (1).
Genome position (GRCh38, 1-based): chr15:44,573,739, C>T on the plus strand (G>A on the coding strand, the complement: SPG11 is on the minus strand). VCF-style: chr15-44573739-C-T. GRCh37 (hg19) VCF-style: chr15-44865937-C-T.
Other names: c.5867-919G>A (NM_001160227.2); short protein forms G2005S.
Identifiers: ClinVar variation 1344094 (VCV001344094.13), dbSNP rs776764189, ClinGen allele CA7534276.